The following is an entry in ClinVar:

ClinVar aggregate classification (germline): Uncertain significance (1 of 4 stars; one submission).

Conditions:
Hereditary cancer-predisposing syndrome. Also called: Neoplastic Syndromes, Hereditary; Tumor predisposition; Hereditary neoplastic syndrome; Hereditary Cancer Syndrome. Identifiers: Orphanet 140162, MedGen C0027672, MeSH D009386, MONDO:0015356.

Submission:

Ambry Genetics
Classification: Uncertain significance for Hereditary cancer-predisposing syndrome. Last evaluated: 2024-11-20. Review status: criteria provided, single submitter. Criteria: Ambry Variant Classification Scheme 2023. Collection method: clinical testing. Allele origin: germline.
Comment: The p.H1755P variant (also known as c.5264A>C), located in coding exon 23 of the DICER1 gene, results from an A to C substitution at nucleotide position 5264. The histidine at codon 1755 is replaced by proline, an amino acid with similar properties. This amino acid position is highly conserved in available vertebrate species. In addition, this alteration is predicted to be deleterious by in silico analysis. Based on the available evidence, the clinical significance of this variant remains unclear.

NM_177438.3(DICER1):c.5264A>C (p.His1755Pro)

Gene: DICER1 (dicer 1, ribonuclease III; minus strand). Cytogenetic location: 14q32.13.
Variant type: single nucleotide variant.
Coding change: c.5264A>C on transcript NM_177438.3 (MANE Select); coding-DNA position 5264, A replaced by C.
Protein change: p.His1755Pro; replaces histidine 1755 with proline.
Molecular consequence: missense variant.
Genome position (GRCh38, 1-based): chr14:95,093,988, T>G on the plus strand (A>C on the coding strand, the complement: DICER1 is on the minus strand). VCF-style: chr14-95093988-T-G. GRCh37 (hg19) VCF-style: chr14-95560325-T-G.
Other names: c.5264A>C, p.His1755Pro (NM_001195573.1, NM_001271282.3, NM_001291628.2 and 1 more transcripts); short protein forms H1755P.
Identifiers: ClinVar variation 825596 (VCV000825596.5), dbSNP rs1595329945, ClinGen allele CA390865087.